The following is an entry in ClinVar:

ClinVar aggregate classification (germline): Uncertain significance. Review status: criteria provided, multiple submitters, no conflicts (2 of 4 stars). 2 submissions from 2 submitters: Uncertain significance (2). Last evaluated 2023-12-08.

Conditions:
3-Methylglutaconic aciduria type 2 (BTHS). Also called: Barth syndrome; CARDIOSKELETAL MYOPATHY WITH NEUTROPENIA AND ABNORMAL MITOCHONDRIA. Identifiers: Orphanet 111, MedGen C0574083, MONDO:0010543, OMIM 302060.

Submissions (2):

GeneDx
Classification: Uncertain significance. Last evaluated: 2023-12-08. Review status: criteria provided, single submitter. Criteria: GeneDx Variant Classification Process June 2021. Collection method: clinical testing. Allele origin: germline. Affected: yes.
Comment: Not observed at significant frequency in large population cohorts (gnomAD); In silico analysis supports that this missense variant has a deleterious effect on protein structure/function; Has not been previously published as pathogenic or benign to our knowledge

Labcorp Genetics (formerly Invitae), Labcorp
Classification: Uncertain significance for 3-Methylglutaconic aciduria type 2. Last evaluated: 2023-11-02. Review status: criteria provided, single submitter. Criteria: Invitae Variant Classification Sherloc (09022015). Collection method: clinical testing. Allele origin: germline.
Comment: This sequence change replaces cysteine, which is neutral and slightly polar, with tyrosine, which is neutral and polar, at codon 203 of the TAZ protein (p.Cys203Tyr). This variant is not present in population databases (gnomAD no frequency). This variant has not been reported in the literature in individuals affected with TAZ-related conditions. An algorithm developed to predict the effect of missense changes on protein structure and function (PolyPhen-2) suggests that this variant is likely to be disruptive. In summary, the available evidence is currently insufficient to determine the role of this variant in disease. Therefore, it has been classified as a Variant of Uncertain Significance.

NM_000116.5(TAFAZZIN):c.608G>A (p.Cys203Tyr)

Gene: TAFAZZIN (tafazzin, phospholipid-lysophospholipid transacylase; plus strand). Cytogenetic location: Xq28.
Variant type: single nucleotide variant.
Coding change: c.608G>A on transcript NM_000116.5 (MANE Select); coding-DNA position 608, G replaced by A.
Protein change: p.Cys203Tyr; replaces cysteine 203 with tyrosine.
Molecular consequence: missense variant. On other transcripts: non-coding transcript variant (1).
Genome position (GRCh38, 1-based): chrX:154,420,056, G>A. VCF-style: chrX-154420056-G-A. GRCh37 (hg19) VCF-style: chrX-153648395-G-A.
Other names: c.620G>A, p.Cys207Tyr (NM_001303465.2); c.572G>A, p.Cys191Tyr (NM_001410698.1); c.518G>A, p.Cys173Tyr (NM_181311.4); c.566G>A, p.Cys189Tyr (NM_181312.4); c.476G>A, p.Cys159Tyr (NM_181313.4); c.608G>A (NM_000116.3); short protein forms C159Y, C189Y, C191Y, C173Y, C203Y, C207Y.
Identifiers: ClinVar variation 2692750 (VCV002692750.4), dbSNP rs2522990563, ClinGen allele CA415184196.